The following is an entry in ClinVar:

NM_001375567.1(FOCAD):c.1561-3T>G

Gene: FOCAD (focadhesin; plus strand). Cytogenetic location: 9p21.3.
Variant type: single nucleotide variant.
Coding change: c.1561-3T>G on transcript NM_001375567.1 (MANE Select); 3 bases into the intron before coding-DNA position 1561, T replaced by G.
Molecular consequence: intron variant.
Genome position (GRCh38, 1-based): chr9:20,820,321, T>G. VCF-style: chr9-20820321-T-G. GRCh37 (hg19) VCF-style: chr9-20820320-T-G.
Other names: c.1561-3T>G (NM_017794.5); c.1456-3T>G (NM_001375568.1, NM_001375570.1).
Identifiers: ClinVar variation 3624147 (VCV003624147.2).

ClinVar aggregate classification (germline): Uncertain significance (1 of 4 stars; one submission).

gnomAD v4.1: 2 of 1,600,902 alleles (0.00012%); highest among the groups gnomAD compares: Non-Finnish European, 0.00017%; no homozygotes.

Submission:

Labcorp Genetics (formerly Invitae), Labcorp
Classification: Uncertain significance. Last evaluated: 2024-05-26. Review status: criteria provided, single submitter. Criteria: Invitae Variant Classification Sherloc (09022015). Collection method: clinical testing. Allele origin: germline.
Comment: This sequence change falls in intron 14 of the FOCAD gene. It does not directly change the encoded amino acid sequence of the FOCAD protein. It affects a nucleotide within the consensus splice site. This variant is not present in population databases (gnomAD no frequency). This variant has not been reported in the literature in individuals affected with FOCAD-related conditions. Variants that disrupt the consensus splice site are a relatively common cause of aberrant splicing (PMID: 17576681, 9536098). Algorithms developed to predict the effect of sequence changes on RNA splicing suggest that this variant may disrupt the consensus splice site. In summary, the available evidence is currently insufficient to determine the role of this variant in disease. Therefore, it has been classified as a Variant of Uncertain Significance.

Literature cited by the submitters: PubMed 17576681; PubMed 9536098.